The following is an entry in ClinVar:

ClinVar aggregate classification (germline): Benign/Likely benign. Review status: criteria provided, multiple submitters, no conflicts (2 of 4 stars). 4 submissions from 4 submitters: Benign (1); Likely benign (2). 1 of the submissions does not count toward it. Last evaluated 2026-06-17.

Conditions:
PDGFRA-related disorder. Also called: PDGFRA-related condition.
Hereditary cancer-predisposing syndrome. Also called: Neoplastic Syndromes, Hereditary; Hereditary neoplastic syndrome; Hereditary Cancer Syndrome; Tumor predisposition. Identifiers: Orphanet 140162, MedGen C0027672, MeSH D009386, MONDO:0015356.
Polyps, multiple and recurrent inflammatory fibroid, gastrointestinal. Identifiers: MedGen C5193005, MONDO:0008285, OMIM 175510.
Gastrointestinal stromal tumor. Also called: Gastrointestinal stromal tumor, somatic; Gastrointestinal stroma tumor. Identifiers: Orphanet 44890, MedGen C0238198, MeSH D046152, MONDO:0011719, OMIM 606764, HP:0100723.

Allele frequency attached by ClinVar (database versions not stated): gnomAD exomes 0.00001 and 0.00004; ExAC 0.00002; gnomAD 0.00005 and 0.00006; TOPMed 0.00006.
gnomAD v4.1: 66 of 1,613,936 alleles (0.0041%); highest among the groups gnomAD compares: African/African-American, 0.008%; no homozygotes.

Submissions (4):

Myriad Genetics, Inc.
Classification: Benign for Polyps, multiple and recurrent inflammatory fibroid, gastrointestinal. Last evaluated: 2026-06-17. Review status: criteria provided, single submitter. Criteria: Myriad Autosomal Dominant, Autosomal Recessive and X-Linked Classification Criteria (2023). Collection method: clinical testing. Allele origin: unknown.
Comment: This variant is considered benign. This variant is a silent/synonymous amino acid change and it is not expected to impact splicing.

Labcorp Genetics (formerly Invitae), Labcorp
Classification: Likely benign for Gastrointestinal stromal tumor. Last evaluated: 2026-01-27. Review status: criteria provided, single submitter. Criteria: Invitae Variant Classification Sherloc (09022015). Collection method: clinical testing. Allele origin: germline.

Ambry Genetics
Classification: Likely benign for Hereditary cancer-predisposing syndrome. Last evaluated: 2019-04-05. Review status: criteria provided, single submitter. Criteria: Ambry Variant Classification Scheme 2023. Collection method: clinical testing. Allele origin: germline.

PreventionGenetics, part of Exact Sciences
Classification: Likely benign for PDGFRA-related condition. Last evaluated: 2023-08-28. Review status: no assertion criteria provided. Collection method: clinical testing. Allele origin: germline. Not counted in ClinVar's aggregate classification.
Comment: This variant is classified as likely benign based on ACMG/AMP sequence variant interpretation guidelines (Richards et al. 2015 PMID: 25741868, with internal and published modifications).

NM_006206.6(PDGFRA):c.2469C>T (p.Asn823=)

Gene: PDGFRA (platelet derived growth factor receptor alpha; plus strand). Cytogenetic location: 4q12.
Variant type: single nucleotide variant.
Coding change: c.2469C>T on transcript NM_006206.6 (MANE Select); coding-DNA position 2469, C replaced by T.
Protein change: p.Asn823=; no amino-acid change (asparagine 823 retained).
Molecular consequence: synonymous variant.
Genome position (GRCh38, 1-based): chr4:54,285,870, C>T. VCF-style: chr4-54285870-C-T. GRCh37 (hg19) VCF-style: chr4-55152037-C-T.
Other names: c.2544C>T, p.Asn848= (NM_001347828.2); c.2469C>T, p.Asn823= (NM_001347829.2); c.2508C>T, p.Asn836= (NM_001347830.2); c.2469C>T (NM_006206.5).
Identifiers: ClinVar variation 240331 (VCV000240331.19), dbSNP rs758069142, ClinGen allele CA2922874.